The following is an entry in ClinVar:

NM_006904.7(PRKDC):c.6295G>T (p.Ala2099Ser)

Gene: PRKDC (protein kinase, DNA-activated, catalytic subunit; minus strand). Cytogenetic location: 8q11.21.
Variant type: single nucleotide variant.
Coding change: c.6295G>T on transcript NM_006904.7 (MANE Select); coding-DNA position 6295, G replaced by T.
Protein change: p.Ala2099Ser; replaces alanine 2099 with serine.
Molecular consequence: missense variant.
Genome position (GRCh38, 1-based): chr8:47,858,899, C>A on the plus strand (G>T on the coding strand, the complement: PRKDC is on the minus strand). VCF-style: chr8-47858899-C-A. GRCh37 (hg19) VCF-style: chr8-48771460-C-A.
Other names: c.6295G>T, p.Ala2099Ser (NM_001081640.2); short protein forms A2099S.
Identifiers: ClinVar variation 3695164 (VCV003695164.2).

ClinVar aggregate classification (germline): Uncertain significance (1 of 4 stars; one submission).

Conditions:
Severe combined immunodeficiency due to DNA-PKcs deficiency. Also called: IMMUNODEFICIENCY 26 WITH NEUROLOGIC ABNORMALITIES; Immunodeficiency 26 with or without neurologic abnormalities. Identifiers: Orphanet 317425, MedGen C4014833, MONDO:0014423, OMIM 615966.

gnomAD v4.1: 4 of 1,613,704 alleles (0.00025%); highest among the groups gnomAD compares: South Asian, 0.0022%; no homozygotes.

Submission:

Labcorp Genetics (formerly Invitae), Labcorp
Classification: Uncertain significance for Severe combined immunodeficiency due to DNA-PKcs deficiency. Last evaluated: 2025-01-18. Review status: criteria provided, single submitter. Criteria: Invitae Variant Classification Sherloc (09022015). Collection method: clinical testing. Allele origin: germline.
Comment: This sequence change replaces alanine, which is neutral and non-polar, with serine, which is neutral and polar, at codon 2099 of the PRKDC protein (p.Ala2099Ser). This variant is present in population databases (rs773376838, gnomAD 0.003%). This variant has not been reported in the literature in individuals affected with PRKDC-related conditions. Invitae Evidence Modeling of protein sequence and biophysical properties (such as structural, functional, and spatial information, amino acid conservation, physicochemical variation, residue mobility, and thermodynamic stability) indicates that this missense variant is not expected to disrupt PRKDC protein function with a negative predictive value of 80%. In summary, the available evidence is currently insufficient to determine the role of this variant in disease. Therefore, it has been classified as a Variant of Uncertain Significance.